The following is an entry in ClinVar:

NM_001190274.2(FBXO11):c.245C>T (p.Pro82Leu)

Gene: FBXO11 (F-box protein 11; minus strand). Cytogenetic location: 2p16.3.
Variant type: single nucleotide variant.
Coding change: c.245C>T on transcript NM_001190274.2 (MANE Select); coding-DNA position 245, C replaced by T.
Protein change: p.Pro82Leu; replaces proline 82 with leucine.
Molecular consequence: missense variant. On other transcripts: 5 prime UTR variant (2).
Genome position (GRCh38, 1-based): chr2:47,839,757, G>A on the plus strand (C>T on the coding strand, the complement: FBXO11 is on the minus strand). VCF-style: chr2-47839757-G-A. GRCh37 (hg19) VCF-style: chr2-48066896-G-A.
Other names: c.-8C>T (NM_001374325.1, NM_025133.4); short protein forms P82L.
Identifiers: ClinVar variation 2664883 (VCV002664883.1), dbSNP rs2531265078, ClinGen allele CA346813854.
Genomic context (GRCh38, chr2:47,839,757, plus strand): 5'-CGAAGTTGGTATGGACTATTTTGTGCACCAGGACCTGATTCTTCTGCAACCATATCTGCA[G>A]GCACATCATCATCTGTTATAAACAAAAGCAATAAGAAAAATTATACCCTTTTTAAAAAAA-3'
Protein context (NP_001177203.1, residues 72-92): NNVGERDDDV[Pro82Leu]ADMVAEESGP

ClinVar aggregate classification (germline): Uncertain significance (1 of 4 stars; one submission).

Conditions:
Intellectual developmental disorder with dysmorphic facies and behavioral abnormalities. Identifiers: MedGen C4748135, MONDO:0060760, OMIM 618089.

Submission:

Neuberg Centre For Genomic Medicine, NCGM
Classification: Uncertain significance for Intellectual developmental disorder with dysmorphic facies and behavioral abnormalities. Last evaluated: 2023-03-01. Review status: criteria provided, single submitter. Criteria: ACMG Guidelines, 2015. Collection method: clinical testing. Allele origin: germline. Inheritance: Autosomal dominant inheritance. Affected: yes.
Comment: The missense c.245C>T(p.Pro82Leu) variant in FBXO11 gene has not been reported previously as a pathogenic variant nor as a benign variant, to our knowledge. The p.Pro82Leu variant is novel (not in any individuals) in gnomAD Exomes and 1000 Genomes. This variant has not been reported to the ClinVar database. The amino acid change p.Pro82Leu in FBXO11 is predicted as conserved by GERP++ and PhyloP across 100 vertebrates. The amino acid Pro at position 82 is changed to a Leu changing protein sequence and it might alter its composition and physico-chemical properties. For these reasons, this variant has been classified as Variant of Uncertain Significance (VUS).